The following is an entry in ClinVar:

ClinVar aggregate classification (germline): Likely benign (1 of 4 stars; one submission).

gnomAD v4.1: 8 of 1,602,616 alleles (0.0005%); highest among the groups gnomAD compares: Middle Eastern, 0.017%; no homozygotes.

Submission:

CeGaT Center for Human Genetics Tuebingen
Classification: Likely benign. Last evaluated: 2024-08-01. Review status: criteria provided, single submitter. Criteria: CeGaT Center For Human Genetics Tuebingen Variant Classification Criteria Version 2. Collection method: clinical testing. Allele origin: germline. Affected: yes. Observed: 1 variant allele.
Comment: TAF15: BP4, BP7

NM_139215.3(TAF15):c.1467C>T (p.Asp489=)

Gene: TAF15 (TATA-box binding protein associated factor 15; plus strand). Cytogenetic location: 17q12.
Variant type: single nucleotide variant.
Coding change: c.1467C>T on transcript NM_139215.3 (MANE Select); coding-DNA position 1467, C replaced by T.
Protein change: p.Asp489=; no amino-acid change (aspartic acid 489 retained).
Molecular consequence: synonymous variant.
Genome position (GRCh38, 1-based): chr17:35,844,766, C>T. VCF-style: chr17-35844766-C-T. GRCh37 (hg19) VCF-style: chr17-34171770-C-T.
Other names: c.1458C>T, p.Asp486= (NM_003487.4).
Identifiers: ClinVar variation 3341525 (VCV003341525.16).